The following is an entry in ClinVar:

NM_000836.4(GRIN2D):c.2751C>A (p.Ser917Arg)

Gene: GRIN2D (glutamate ionotropic receptor NMDA type subunit 2D; plus strand). Cytogenetic location: 19q13.33.
Variant type: single nucleotide variant.
Coding change: c.2751C>A on transcript NM_000836.4 (MANE Select); coding-DNA position 2751, C replaced by A.
Protein change: p.Ser917Arg; replaces serine 917 with arginine.
Molecular consequence: missense variant.
Genome position (GRCh38, 1-based): chr19:48,442,677, C>A. VCF-style: chr19-48442677-C-A. GRCh37 (hg19) VCF-style: chr19-48945934-C-A.
Other names: short protein forms S917R.
Identifiers: ClinVar variation 3349336 (VCV003349336.1).

ClinVar aggregate classification (germline): Uncertain significance (0 of 4 stars; one submission).

Conditions:
GRIN2D-related disorder. Also called: GRIN2D-related condition.

Submission:

PreventionGenetics, part of Exact Sciences
Classification: Uncertain significance for GRIN2D-related condition. Last evaluated: 2024-06-18. Review status: no assertion criteria provided. Collection method: clinical testing. Allele origin: germline.
Comment: The GRIN2D c.2751C>A variant is predicted to result in the amino acid substitution p.Ser917Arg. To our knowledge, this variant has not been reported in the literature or in a large population database, indicating this variant is rare. At this time, the clinical significance of this variant is uncertain due to the absence of conclusive functional and genetic evidence.